The following is an entry in ClinVar:

NM_001035.3(RYR2):c.3827C>T (p.Thr1276Ile)

Genes: RYR2 (ryanodine receptor 2; plus strand), LOC126806067 (BRD4-independent group 4 enhancer GRCh37_chr1:237753258-237754457; plus strand). Cytogenetic location: 1q43.
Variant type: single nucleotide variant.
Coding change: c.3827C>T on transcript NM_001035.3 (MANE Select); coding-DNA position 3827, C replaced by T.
Protein change: p.Thr1276Ile; replaces threonine 1276 with isoleucine.
Molecular consequence: missense variant.
Genome position (GRCh38, 1-based): chr1:237,590,659, C>T. VCF-style: chr1-237590659-C-T. GRCh37 (hg19) VCF-style: chr1-237753959-C-T.
Other names: c.3827C>T, p.Thr1276Ile (LRG_402t1); short protein forms T1276I.
Identifiers: ClinVar variation 238231 (VCV000238231.21), dbSNP rs762899950, ClinGen allele CA086466.

ClinVar aggregate classification (germline): Uncertain significance. Review status: criteria provided, multiple submitters, no conflicts (2 of 4 stars). 6 submissions from 6 submitters: Uncertain significance (6). Last evaluated 2025-12-02.

Conditions:
Catecholaminergic polymorphic ventricular tachycardia (CVPT). Also called: Catecholamine-induced polymorphic ventricular tachycardia. Identifiers: Orphanet 3286, MedGen C5574922, MONDO:0017990.
Arrhythmogenic right ventricular dysplasia 2. Identifiers: MedGen C1832931.
Catecholaminergic polymorphic ventricular tachycardia 1. Also called: VENTRICULAR TACHYCARDIA, CATECHOLAMINERGIC POLYMORPHIC, 1, WITH OR WITHOUT ATRIAL DYSFUNCTION AND/OR DILATED CARDIOMYOPATHY; RYR2-Related Catecholaminergic Polymorphic Ventricular Tachycardia; VENTRICULAR TACHYCARDIA, STRESS-INDUCED POLYMORPHIC 1. Identifiers: Orphanet 3286, MedGen C1631597, MONDO:0011484, OMIM 604772.
Ventricular arrhythmias due to cardiac ryanodine receptor calcium release deficiency syndrome. Also called: Autosomal dominant cardiac arrhythmia (Kuhn). Identifiers: MedGen C5542154, MONDO:0020745, OMIM 115000.
Cardiomyopathy (CMYO). Also called: Cardiomyopathies. Identifiers: Orphanet 167848, MedGen C0878544, MONDO:0004994, HP:0001638. Inheritance: Various modes of inheritance.

Allele frequency attached by ClinVar (database versions not stated): TOPMed 0.00002; ExAC 0.00002; gnomAD 0.00003; gnomAD exomes 0.00001.
gnomAD v4.1: 22 of 1,553,108 alleles (0.0014%); highest among the groups gnomAD compares: Middle Eastern, 0.017%; no homozygotes.

Submissions (6):

Labcorp Genetics (formerly Invitae), Labcorp
Classification: Uncertain significance for Catecholaminergic polymorphic ventricular tachycardia 1. Last evaluated: 2025-12-02. Review status: criteria provided, single submitter. Criteria: Invitae Variant Classification Sherloc (09022015). Collection method: clinical testing. Allele origin: germline.
Comment: This sequence change replaces threonine, which is neutral and polar, with isoleucine, which is neutral and non-polar, at codon 1276 of the RYR2 protein (p.Thr1276Ile). This variant is present in population databases (rs762899950, gnomAD 0.004%). This missense change has been observed in individual(s) with catecholaminergic polymorphic ventricular tachycardia (PMID: 32152366). ClinVar contains an entry for this variant (Variation ID: 238231). Invitae Evidence Modeling of protein sequence and biophysical properties (such as structural, functional, and spatial information, amino acid conservation, physicochemical variation, residue mobility, and thermodynamic stability) has been performed for this missense variant. However, the output from this modeling did not meet the statistical confidence thresholds required to predict the impact of this variant on RYR2 protein function. In summary, the available evidence is currently insufficient to determine the role of this variant in disease. Therefore, it has been classified as a Variant of Uncertain Significance.

All of Us Research Program, National Institutes of Health
Classification: Uncertain significance for Catecholaminergic polymorphic ventricular tachycardia. Last evaluated: 2024-08-06. Review status: criteria provided, single submitter. Criteria: ACMG Guidelines, 2015. Collection method: clinical testing. Allele origin: germline. Inheritance: Autosomal dominant inheritance. Observed: 13 variant alleles, 13 heterozygotes.
Comment: This variant is located in the RYR2 protein. Computational prediction is inconclusive regarding the impact of this variant on protein structure and function (internally defined REVEL score threshold 0.5 < inconclusive < 0.7, PMID: 27666373). To our knowledge, functional studies have not been reported for this variant. This variant has not been reported in individuals affected with cardiovascular disorders in the literature. This variant has been identified in 3/235098 chromosomes in the general population by the Genome Aggregation Database (gnomAD). The available evidence is insufficient to determine the role of this variant in disease conclusively. Therefore, this variant is classified as a Variant of Uncertain Significance.

This study involves interpretation of variants in research participants for the purpose of population health screening. Participant phenotype was not available at the time of variant classification. Additional details can be found in publication PMID: 35346344, PMCID: PMC8962531

GeneDx
Classification: Uncertain significance. Last evaluated: 2024-04-25. Review status: criteria provided, single submitter. Criteria: GeneDx Variant Classification Process June 2021. Collection method: clinical testing. Allele origin: germline.
Comment: Not observed at significant frequency in large population cohorts (gnomAD); In silico analysis supports that this missense variant has a deleterious effect on protein structure/function; Not located in one of the three hot-spot regions of the RYR2 gene, where the majority of pathogenic missense variants occur ( (PMID: 19926015); This variant is associated with the following publications: (PMID: 19926015, 32152366)

Color Diagnostics, LLC DBA Color Health
Classification: Uncertain significance for Cardiomyopathy. Last evaluated: 2024-03-06. Review status: criteria provided, single submitter. Criteria: ACMG Guidelines, 2015. Collection method: clinical testing. Allele origin: germline.
Comment: This missense variant replaces threonine with isoleucine at codon 1276 of the RYR2 protein. Computational prediction tools indicate that this variant's impact on protein structure and function is inconclusive. To our knowledge, functional studies have not been reported for this variant. This variant has not been reported in individuals affected with RYR2-related disorders in the literature. This variant has been identified in 3/235098 chromosomes in the general population by the Genome Aggregation Database (gnomAD). The available evidence is insufficient to determine the role of this variant in disease conclusively. Therefore, this variant is classified as a Variant of Uncertain Significance.

Clinical Genetics Laboratory, Skane University Hospital Lund
Classification: Uncertain significance. Last evaluated: 2022-11-15. Review status: criteria provided, single submitter. Criteria: ACMG Guidelines, 2015. Collection method: clinical testing. Allele origin: germline. Affected: yes.

Fulgent Genetics
Classification: Uncertain significance for Ventricular arrhythmias due to cardiac ryanodine receptor calcium release deficiency syndrome; Catecholaminergic polymorphic ventricular tachycardia 1. Last evaluated: 2021-10-26. Review status: criteria provided, single submitter. Criteria: ACMG Guidelines, 2015. Collection method: clinical testing. Allele origin: unknown.

Literature cited by the submitters: PubMed 32152366 (cited by Labcorp Genetics (formerly Invitae), Labcorp).